The following is an entry in ClinVar:

ClinVar aggregate classification (germline): Likely benign. Review status: criteria provided, single submitter (1 of 4 stars). 2 submissions from 2 submitters: Likely benign (1). 1 of the submissions does not count toward it. Last evaluated 2024-07-09.

Conditions:
NF1-related disorder. Also called: NF1-related condition. Identifiers: MedGen CN379171.
Cardiovascular phenotype. Identifiers: MedGen CN230736.
Hereditary cancer-predisposing syndrome. Also called: Neoplastic Syndromes, Hereditary; Tumor predisposition; Hereditary neoplastic syndrome; Hereditary Cancer Syndrome. Identifiers: Orphanet 140162, MedGen C0027672, MeSH D009386, MONDO:0015356.

Submissions (2):

Ambry Genetics
Classification: Likely benign for Cardiovascular phenotype; Hereditary cancer-predisposing syndrome. Last evaluated: 2024-07-09. Review status: criteria provided, single submitter. Criteria: Ambry Variant Classification Scheme 2023. Collection method: clinical testing. Allele origin: germline.

PreventionGenetics, part of Exact Sciences
Classification: Likely benign for NF1-related condition. Last evaluated: 2020-08-24. Review status: no assertion criteria provided. Collection method: clinical testing. Allele origin: germline. Not counted in ClinVar's aggregate classification.
Comment: This variant is classified as likely benign based on ACMG/AMP sequence variant interpretation guidelines (Richards et al. 2015 PMID: 25741868, with internal and published modifications).

NM_001042492.3(NF1):c.3198-15_3198-4del

Gene: NF1 (neurofibromin 1; plus strand). Cytogenetic location: 17q11.2.
Variant type: Deletion.
Coding change: c.3198-15_3198-4del on transcript NM_001042492.3 (MANE Select); 15 bases into the intron before coding-DNA position 3198 through 4 bases into the intron before coding-DNA position 3198, 12 bases deleted (TTTTTTTTTTTT).
Molecular consequence: intron variant.
Genome position (GRCh38, 1-based): chr17:31,232,058-31,232,069, TTTTTTTTTTTT deleted; deleting any 12 consecutive bases within chr17:31,232,044-31,232,069 gives the same sequence; the c. name uses the placement nearest the transcript's 3' end. VCF-style (leftmost placement, unchanged base first): chr17-31232043-ATTTTTTTTTTTT-A. GRCh37 (hg19) VCF-style: chr17-29559061-ATTTTTTTTTTTT-A.
Other names: c.3198-15_3198-4del12 (NM_000267.3); c.3198-15_3198-4del (NM_000267.4).
Identifiers: ClinVar variation 3031746 (VCV003031746.3), dbSNP rs371047262, ClinGen allele CA728034463.